The following is an entry in ClinVar:

NM_004006.3(DMD):c.7574C>T (p.Pro2525Leu)

Gene: DMD (dystrophin; minus strand). Cytogenetic location: Xp21.1.
Variant type: single nucleotide variant.
Coding change: c.7574C>T on transcript NM_004006.3 (MANE Select); coding-DNA position 7574, C replaced by T.
Protein change: p.Pro2525Leu; replaces proline 2525 with leucine.
Molecular consequence: missense variant.
Genome position (GRCh38, 1-based): chrX:31,729,717, G>A on the plus strand (C>T on the coding strand, the complement: DMD is on the minus strand). VCF-style: chrX-31729717-G-A. GRCh37 (hg19) VCF-style: chrX-31747834-G-A.
Other names: c.7550C>T, p.Pro2517Leu (NM_000109.4); c.7562C>T, p.Pro2521Leu (NM_004009.3); c.7205C>T, p.Pro2402Leu (NM_004010.3); c.3551C>T, p.Pro1184Leu (NM_004011.4); c.3542C>T, p.Pro1181Leu (NM_004012.4); c.194C>T, p.Pro65Leu (NM_004013.3, NM_004020.4, NM_004021.3 and 2 more transcripts); short protein forms P2517L, P65L, P1181L, P1184L, P2402L, P2521L, P2525L.
Identifiers: ClinVar variation 1434815 (VCV001434815.6), dbSNP rs2149018455, ClinGen allele CA412657662.
Genomic context (GRCh38, chrX:31,729,717, plus strand): 5'-TCTTGATTGCTGGTCTTGTTTTTCAAATTTTGGGCAGCGGTAATGAGTTCTTCCAACTGG[G>A]GACGCCTCTGTTCCAAATCCTGCATTGTTGCCTGTAAGAACAAATATCCCTTAGTATCAG-3'
Protein context (NP_003997.2, residues 2515-2535): ATMQDLEQRR[Pro2525Leu]QLEELITAAQ

ClinVar aggregate classification (germline): Uncertain significance (1 of 4 stars; one submission).

Conditions:
Duchenne muscular dystrophy (DMD). Also called: MUSCULAR DYSTROPHY, PSEUDOHYPERTROPHIC PROGRESSIVE, DUCHENNE TYPE; Duchenne Muscular Dystrophy (DMD). Identifiers: Orphanet 98896, MedGen C0013264, MONDO:0010679, OMIM 310200.

Submission:

Labcorp Genetics (formerly Invitae), Labcorp
Classification: Uncertain significance for Duchenne muscular dystrophy. Last evaluated: 2021-10-31. Review status: criteria provided, single submitter. Criteria: Invitae Variant Classification Sherloc (09022015). Collection method: clinical testing. Allele origin: germline.
Comment: In summary, the available evidence is currently insufficient to determine the role of this variant in disease. Therefore, it has been classified as a Variant of Uncertain Significance. This sequence change replaces proline, which is neutral and non-polar, with leucine, which is neutral and non-polar, at codon 2525 of the DMD protein (p.Pro2525Leu). This variant is not present in population databases (gnomAD no frequency). This variant has not been reported in the literature in individuals affected with DMD-related conditions. Algorithms developed to predict the effect of missense changes on protein structure and function (SIFT, PolyPhen-2, Align-GVGD) all suggest that this variant is likely to be disruptive.